The following is an entry in ClinVar:

NM_016373.4(WWOX):c.184G>C (p.Gly62Arg)

Gene: WWOX (WW domain containing oxidoreductase; plus strand). Cytogenetic location: 16q23.1.
Variant type: single nucleotide variant.
Coding change: c.184G>C on transcript NM_016373.4 (MANE Select); coding-DNA position 184, G replaced by C.
Protein change: p.Gly62Arg; replaces glycine 62 with arginine.
Molecular consequence: missense variant. On other transcripts: 5 prime UTR variant (1), non-coding transcript variant (1).
Genome position (GRCh38, 1-based): chr16:78,109,789, G>C. VCF-style: chr16-78109789-G-C. GRCh37 (hg19) VCF-style: chr16-78143686-G-C.
Other names: c.-156G>C (NM_001291997.2); c.184G>C, p.Gly62Arg (NM_130791.5); short protein forms G62R.
Identifiers: ClinVar variation 1361273 (VCV001361273.6), dbSNP rs775696083, ClinGen allele CA396842154.

ClinVar aggregate classification (germline): Uncertain significance (1 of 4 stars; one submission).

Conditions:
Developmental and epileptic encephalopathy, 1 (DEE1). Also called: X-linked infantile spasms; West's syndrome; Tonic spasms with clustering, arrest of psychomotor development and hypsarrhythmia on EEG; X-Linked Infantile Spasm Syndrome; OHTAHARA SYNDROME, X-LINKED; Epileptic encephalopathy, early infantile, 1. Identifiers: MedGen C3463992, MONDO:0010632, OMIM 308350. Disease mechanism: loss of function.
Autosomal recessive spinocerebellar ataxia 12. Also called: SPINOCEREBELLAR ATAXIA WITH MENTAL RETARDATION AND EPILEPSY. Identifiers: Orphanet 284282, MedGen C3280452, MONDO:0013687, OMIM 614322.

Submission:

Labcorp Genetics (formerly Invitae), Labcorp
Classification: Uncertain significance for Developmental and epileptic encephalopathy, 1; Autosomal recessive spinocerebellar ataxia 12. Last evaluated: 2022-10-17. Review status: criteria provided, single submitter. Criteria: Invitae Variant Classification Sherloc (09022015). Collection method: clinical testing. Allele origin: germline.
Comment: In summary, the available evidence is currently insufficient to determine the role of this variant in disease. Therefore, it has been classified as a Variant of Uncertain Significance. Algorithms developed to predict the effect of missense changes on protein structure and function are either unavailable or do not agree on the potential impact of this missense change (SIFT: "Not Available"; PolyPhen-2: "Probably Damaging"; Align-GVGD: "Not Available"). ClinVar contains an entry for this variant (Variation ID: 1361273). This variant has not been reported in the literature in individuals affected with WWOX-related conditions. This variant is not present in population databases (gnomAD no frequency). This sequence change replaces glycine, which is neutral and non-polar, with arginine, which is basic and polar, at codon 62 of the WWOX protein (p.Gly62Arg).